The following is an entry in ClinVar:

ClinVar aggregate classification (germline): Uncertain significance (1 of 4 stars; one submission).

Conditions:
Inborn genetic diseases. Identifiers: MedGen C0950123, MeSH D030342.

Allele frequency attached by ClinVar (database versions not stated): gnomAD exomes below 0.00001 and 0.00002; ExAC 0.00001; gnomAD 0.00001.
gnomAD v4.1: 17 of 1,614,170 alleles (0.0011%); highest among the groups gnomAD compares: Non-Finnish European, 0.0014%; no homozygotes.

Submission:

Ambry Genetics
Classification: Uncertain significance for Inborn genetic diseases. Last evaluated: 2016-03-13. Review status: criteria provided, single submitter. Criteria: Ambry Variant Classification Scheme 2023. Collection method: clinical testing. Allele origin: germline.
Comment: The p.P257L variant (also known as c.770C>T), located in coding exon 6 of the CTSF gene, results from a C to T substitution at nucleotide position 770. The proline at codon 257 is replaced by leucine, an amino acid with similar properties. This variant was not reported in population based cohorts in the following databases: Database of Single Nucleotide Polymorphisms (dbSNP), NHLBI Exome Sequencing Project (ESP), and 1000 Genomes Project. In the ESP, this variant was not observed in 6495 samples (12990 alleles) with coverage at this position. This amino acid position is not conserved and lysine is a reference amino acid in several species. In addition, this alteration is predicted to be tolerated by in silico analysis. Since supporting evidence is limited at this time, the clinical significance of this variant remains unknown.

NM_003793.4(CTSF):c.770C>T (p.Pro257Leu)

Gene: CTSF (cathepsin F; minus strand). Cytogenetic location: 11q13.2.
Variant type: single nucleotide variant.
Coding change: c.770C>T on transcript NM_003793.4 (MANE Select); coding-DNA position 770, C replaced by T.
Protein change: p.Pro257Leu; replaces proline 257 with leucine.
Molecular consequence: missense variant.
Genome position (GRCh38, 1-based): chr11:66,566,119, G>A on the plus strand (C>T on the coding strand, the complement: CTSF is on the minus strand). VCF-style: chr11-66566119-G-A. GRCh37 (hg19) VCF-style: chr11-66333590-G-A.
Other names: short protein forms P257L.
Identifiers: ClinVar variation 589811 (VCV000589811.5), dbSNP rs776247858, ClinGen allele CA6125441.
Genomic context (GRCh38, chr11:66,566,119, plus strand): 5'-CAGTCCCATTCAGGTGGGGCGAGGTCACCCACAGACTTGGCTTGCTTCATCTTGTTGCCA[G>A]GCTCTTTCCTCAGGAGAGTATTCAGGTAGATAGTGCGGAACTCCTCCTCTGCGGGCAAAG-3'
Protein context (NP_003784.2, residues 247-267): IYLNTLLRKE[Pro257Leu]GNKMKQAKSV